The following is an entry in ClinVar:

NC_000015.9:g.(?_73004565)_(73022045_?)del

Gene: BBS4 (Bardet-Biedl syndrome 4; plus strand). Cytogenetic location: 15q24.1.
Variant type: Deletion.
Identifiers: ClinVar variation 3243772 (VCV003243772.1).

ClinVar aggregate classification (germline): Pathogenic (1 of 4 stars; one submission).

Conditions:
Bardet-Biedl syndrome (BBS). Identifiers: Orphanet 110, MedGen C0752166, MONDO:0015229.

Submission:

Labcorp Genetics (formerly Invitae), Labcorp
Classification: Pathogenic for Bardet-Biedl syndrome. Last evaluated: 2023-07-16. Review status: criteria provided, single submitter. Criteria: Invitae Variant Classification Sherloc (09022015). Collection method: clinical testing. Allele origin: unknown.
Comment: For these reasons, this variant has been classified as Pathogenic. This variant disrupts a region of the BBS4 protein in which other variant(s) (p.Gly209Glu) have been determined to be pathogenic (PMID: 17558852). This suggests that this is a clinically significant region of the protein, and that variants that disrupt it are likely to be disease-causing. This variant has not been reported in the literature in individuals affected with BBS4-related conditions. This variant is a gross deletion of the genomic region encompassing exon(s) 4-10 of the BBS4 gene. This variant would be expected to be in-frame, preserving the integrity of the reading frame.

Literature cited by the submitters: PubMed 17558852.